The following is an entry in ClinVar:

ClinVar aggregate classification (germline): Uncertain significance. Review status: criteria provided, multiple submitters, no conflicts (2 of 4 stars). 2 submissions from 2 submitters: Uncertain significance (2). Last evaluated 2025-02-10.

Conditions:
Congenital myotonia, autosomal dominant form (THD). Also called: THOMSEN DISEASE; Myotonia congenita autosomal dominant. Identifiers: Orphanet 614, MedGen C2936781, MONDO:0008055, OMIM 160800.
Congenital myotonia, autosomal recessive form. Also called: BECKER DISEASE; Becker Generalized Myotonia; myotonia congenita, autosomal recessive. Identifiers: Orphanet 614, MedGen C0751360, MONDO:0009715, OMIM 255700.

Allele frequency attached by ClinVar (database versions not stated): TOPMed 0.00001; ExAC 0.00002; gnomAD exomes 0.00001 and 0.00002.
gnomAD v4.1: 19 of 1,614,040 alleles (0.0012%); highest among the groups gnomAD compares: Non-Finnish European, 0.0014%; no homozygotes.

Submissions (2):

Labcorp Genetics (formerly Invitae), Labcorp
Classification: Uncertain significance for Congenital myotonia, autosomal recessive form; Congenital myotonia, autosomal dominant form. Last evaluated: 2025-02-10. Review status: criteria provided, single submitter. Criteria: Invitae Variant Classification Sherloc (09022015). Collection method: clinical testing. Allele origin: germline.
Comment: This sequence change replaces aspartic acid, which is acidic and polar, with glycine, which is neutral and non-polar, at codon 641 of the CLCN1 protein (p.Asp641Gly). This variant is present in population databases (rs760693424, gnomAD 0.004%). This variant has not been reported in the literature in individuals affected with CLCN1-related conditions. ClinVar contains an entry for this variant (Variation ID: 952928). Invitae Evidence Modeling of protein sequence and biophysical properties (such as structural, functional, and spatial information, amino acid conservation, physicochemical variation, residue mobility, and thermodynamic stability) indicates that this missense variant is expected to disrupt CLCN1 protein function with a positive predictive value of 80%. In summary, the available evidence is currently insufficient to determine the role of this variant in disease. Therefore, it has been classified as a Variant of Uncertain Significance.

Revvity Omics, Revvity
Classification: Uncertain significance. Last evaluated: 2020-03-12. Review status: criteria provided, single submitter. Criteria: ACMG Guidelines, 2015. Collection method: clinical testing. Allele origin: germline.

NM_000083.3(CLCN1):c.1922A>G (p.Asp641Gly)

Gene: CLCN1 (chloride voltage-gated channel 1; plus strand). Cytogenetic location: 7q34.
Variant type: single nucleotide variant.
Coding change: c.1922A>G on transcript NM_000083.3 (MANE Select); coding-DNA position 1922, A replaced by G.
Protein change: p.Asp641Gly; replaces aspartic acid 641 with glycine.
Molecular consequence: missense variant. On other transcripts: non-coding transcript variant (1).
Genome position (GRCh38, 1-based): chr7:143,342,497, A>G. VCF-style: chr7-143342497-A-G. GRCh37 (hg19) VCF-style: chr7-143039590-A-G.
Other names: short protein forms D641G.
Identifiers: ClinVar variation 952928 (VCV000952928.11), dbSNP rs760693424, ClinGen allele CA4537510.